The following is an entry in ClinVar:

ClinVar aggregate classification (germline): Uncertain significance. Review status: criteria provided, single submitter (1 of 4 stars). 2 submissions from 2 submitters: Uncertain significance (1). 1 of the submissions does not count toward it. Last evaluated 2022-06-10.

Conditions:
Maple syrup urine disease type 1A (MSUD1A). Also called: MSUD type 1A. Identifiers: MedGen C1855369, MONDO:0023691, OMIM 248600.
Maple syrup urine disease (MSUD). Identifiers: Orphanet 511, MedGen C0024776, MeSH D008375, MONDO:0009563. Disease mechanism: loss of function.

Submissions (2):

Labcorp Genetics (formerly Invitae), Labcorp
Classification: Uncertain significance for Maple syrup urine disease. Last evaluated: 2022-06-10. Review status: criteria provided, single submitter. Criteria: Invitae Variant Classification Sherloc (09022015). Collection method: clinical testing. Allele origin: germline.
Comment: This variant, c.8_19dup, results in the insertion of 4 amino acid(s) of the BCKDHB protein (p.Val3_Ala6dup), but otherwise preserves the integrity of the reading frame. In summary, the available evidence is currently insufficient to determine the role of this variant in disease. Therefore, it has been classified as a Variant of Uncertain Significance. Experimental studies and prediction algorithms are not available or were not evaluated, and the functional significance of this variant is currently unknown. ClinVar contains an entry for this variant (Variation ID: 556528). This variant has not been reported in the literature in individuals affected with BCKDHB-related conditions. This variant is not present in population databases (gnomAD no frequency).

Counsyl
Classification: Uncertain significance for Maple syrup urine disease type 1A. Last evaluated: 2018-02-09. Review status: no assertion criteria provided. Collection method: clinical testing. Allele origin: unknown. Not counted in ClinVar's aggregate classification.

NM_183050.4(BCKDHB):c.8_19dup (p.Val3_Ala6dup)

Gene: BCKDHB (branched chain keto acid dehydrogenase E1 subunit beta; plus strand). Cytogenetic location: 6q14.1.
Variant type: Duplication.
Coding change: c.8_19dup on transcript NM_183050.4 (MANE Select); coding-DNA positions 8 to 19, 12 bases duplicated (TTGTAGCGGCGG).
Protein change: p.Val3_Ala6dup.
Molecular consequence: inframe insertion, initiator codon variant. On other transcripts: non-coding transcript variant (1), intron variant (1).
Genome position (GRCh38, 1-based): chr6:80,106,701-80,106,712, TTGTAGCGGCGG duplicated; duplicating any 12 consecutive bases within chr6:80,106,696-80,106,712 gives the same sequence; the c. name uses the placement nearest the transcript's 3' end. VCF-style (leftmost placement, unchanged base first): chr6-80106695-T-TGGCGGTTGTAGC. GRCh37 (hg19) VCF-style: chr6-80816412-T-TGGCGGTTGTAGC.
Other names: c.8_19dup, p.Val3_Ala6dup (NM_000056.5); c.-15+18_-15+29dup (NM_001318975.1).
Identifiers: ClinVar variation 556528 (VCV000556528.7), dbSNP rs1554180793, ClinGen allele CA658823150.